The following is an entry in ClinVar:

NR_002196.3(H19):n.1214G>A

Genes: H19 (H19 imprinted maternally expressed transcript; minus strand), MRPL23 (mitochondrial ribosomal protein L23; plus strand). Cytogenetic location: 11p15.5.
Variant type: single nucleotide variant.
Molecular consequence: non-coding transcript variant (on NR_002196.3). On other transcripts: intron variant (1).
Genome position: GRCh38 VCF-style: chr11-1996629-C-T. GRCh37 (hg19) VCF-style: chr11-2017859-C-T.
Other names: c.498-14912C>T (NM_001400176.1).
Identifiers: ClinVar variation 3057744 (VCV003057744.2), dbSNP rs543862815, ClinGen allele CA5817457.
Genomic context (GRCh38, chr11:1,996,629, plus strand): 5'-CGCGAGGCCCGCCTTGGCCACGGGCTCTGGAGGCCAGTGCCTCCCGCTCGCCGCCCGCTG[C>T]GCTCCTCACCCCTGCCTGCACCATCCTCCCTCCTGAGAGCTCATTCACTCCGCCCCGCCC-3'

ClinVar aggregate classification (germline): Likely benign (0 of 4 stars; one submission).

Conditions:
H19-related disorder. Also called: H19-related condition.

Allele frequency attached by ClinVar (database versions not stated): 1000 Genomes Project 0.00020; ExAC 0.00021.

Submission:

PreventionGenetics, part of Exact Sciences
Classification: Likely benign for H19-related condition. Last evaluated: 2019-02-21. Review status: no assertion criteria provided. Collection method: clinical testing. Allele origin: germline.
Comment: This variant is classified as likely benign based on ACMG/AMP sequence variant interpretation guidelines (Richards et al. 2015 PMID: 25741868, with internal and published modifications).